The following is an entry in ClinVar:

NM_206933.4(USH2A):c.7524del (p.Arg2509fs)

Gene: USH2A (usherin; minus strand). Cytogenetic location: 1q41.
Variant type: Deletion.
Coding change: c.7524del on transcript NM_206933.4 (MANE Select); coding-DNA position 7524, one base deleted (T; older notation c.7524delT).
Protein change: p.Arg2509fs; shifts the reading frame from arginine 2509.
Molecular consequence: frameshift variant.
Genome position (GRCh38, 1-based): chr1:215,900,145, A deleted on the plus strand (T on the coding strand, the reverse complement: USH2A is on the minus strand); the first of 3 consecutive A bases (chr1:215,900,145-215,900,147); deleting any one gives the same sequence. VCF-style (leftmost placement, unchanged base first): chr1-215900144-GA-G. GRCh37 (hg19) VCF-style: chr1-216073486-GA-G.
Other names: c.7524del (NM_206933.2, NM_206933.3); short protein forms R2509fs.
Identifiers: ClinVar variation 517494 (VCV000517494.33), dbSNP rs751176116, ClinGen allele CA1394815.

ClinVar aggregate classification (germline): Pathogenic. Review status: criteria provided, multiple submitters, no conflicts (2 of 4 stars). 15 submissions from 14 submitters: Pathogenic (14). 1 of the submissions does not count toward it. Last evaluated 2025-08-26.

Conditions:
USH2A-related disorder. Also called: USH2A-related disorders; USH2A-related condition. Identifiers: MedGen CN239332.
Usher syndrome type 2A. Also called: RETINAL DISEASE IN USHER SYNDROME TYPE IIA, MODIFIER OF; USHER SYNDROME, TYPE IIA. Identifiers: Orphanet 231178, Orphanet 886, MedGen C1848634, MONDO:0010169, OMIM 276901.
Retinitis pigmentosa 39 (RP39). Identifiers: Orphanet 791, MedGen C3151138, MONDO:0013436, OMIM 613809.
Usher syndrome. Also called: Usher Syndromes; Usher's syndrome. Identifiers: Orphanet 886, MedGen CN469326, MeSH D052245, MONDO:0019501. Disease mechanism: loss of function.
Rare genetic deafness. Identifiers: Orphanet 96210, MedGen C5680250.

Submissions (15):

Labcorp Genetics (formerly Invitae), Labcorp
Classification: Pathogenic. Last evaluated: 2025-08-26. Review status: criteria provided, single submitter. Criteria: Invitae Variant Classification Sherloc (09022015). Collection method: clinical testing. Allele origin: germline.
Comment: This sequence change creates a premature translational stop signal (p.Arg2509Glyfs*19) in the USH2A gene. It is expected to result in an absent or disrupted protein product. Loss-of-function variants in USH2A are known to be pathogenic (PMID: 10729113, 10909849, 20507924, 25649381). This variant is present in population databases (rs751176116, gnomAD 0.0009%). This premature translational stop signal has been observed in individuals with Usher syndrome (PMID: 21569298, 25333064, 27460420, 27957503). ClinVar contains an entry for this variant (Variation ID: 517494). For these reasons, this variant has been classified as Pathogenic.

Institute of Human Genetics, University of Leipzig Medical Center
Classification: Pathogenic for Usher syndrome type 2A. Last evaluated: 2025-03-04. Review status: criteria provided, single submitter. Criteria: ACMG Guidelines, 2015. Collection method: clinical testing. Allele origin: unknown. Inheritance: Autosomal recessive inheritance. Affected: yes.
Comment: Criteria applied: PVS1,PM3_VSTR,PM2; Identified as compund heterozygous with NM_206933.4:c.11864G>A

Bioscientia Institut fuer Medizinische Diagnostik GmbH, Sonic Healthcare
Classification: Pathogenic for Usher syndrome type 2A. Last evaluated: 2025-02-12. Review status: criteria provided, single submitter. Criteria: ACMG Guidelines, 2015. Collection method: clinical testing. Allele origin: germline. Affected: yes.

Natera, Inc.
Classification: Pathogenic for Usher syndrome type 2A. Last evaluated: 2024-12-30. Review status: criteria provided, single submitter. Criteria: Natera Variant Classification Schema (03/2026). Collection method: clinical testing. Allele origin: germline.
Comment: The c.7524delT variant in USH2A is a frameshift variant predicted to shift the reading frame beginning at codon 2509 and leads to a stop codon 19 codons downstream. This variant is expected to result in nonsense mediated decay, truncation, or a dysfunctional protein product. This variant is rare in the general population with a frequency below the threshold expected for the associated phenotype(s). This variant has been observed in one or more individuals affected with the associated recessive disease, as either homozygous or compound heterozygous with a second variant (PMID: 21569298). Given the available evidence, this variant is classified as Pathogenic.

GeneDx
Classification: Pathogenic. Last evaluated: 2024-10-01. Review status: criteria provided, single submitter. Criteria: GeneDx Variant Classification Process June 2021. Collection method: clinical testing. Allele origin: germline.
Comment: Frameshift variant predicted to result in protein truncation or nonsense mediated decay in a gene for which loss of function is a known mechanism of disease; Not observed at significant frequency in large population cohorts (gnomAD); This variant is associated with the following publications: (PMID: 31964843, 36460718, 33749171, 34906470, 21569298, 27957503, 27460420, 35656873, 25333064, 38219857)

Blueprint Genetics
Classification: Pathogenic for USH2A-related disorders. Last evaluated: 2024-08-26. Review status: criteria provided, single submitter. Criteria: ACMG Guidelines, 2015. Collection method: clinical testing. Allele origin: germline. Affected: yes. Observed: 5 variant alleles.

Baylor Genetics
Classification: Pathogenic for Retinitis pigmentosa 39. Last evaluated: 2024-03-28. Review status: criteria provided, single submitter. Criteria: ACMG Guidelines, 2015. Collection method: clinical testing. Allele origin: unknown.

Genome-Nilou Lab
Classification: Pathogenic for Retinitis pigmentosa 39. Last evaluated: 2023-11-04. Review status: criteria provided, single submitter. Criteria: ACMG Guidelines, 2015. Collection method: clinical testing. Allele origin: germline. Affected: no.

Genome-Nilou Lab
Classification: Pathogenic for Usher syndrome type 2A. Last evaluated: 2023-11-04. Review status: criteria provided, single submitter. Criteria: ACMG Guidelines, 2015. Collection method: clinical testing. Allele origin: germline. Affected: no.

Women's Health and Genetics/Laboratory Corporation of America, LabCorp
Classification: Pathogenic for Usher syndrome. Last evaluated: 2023-09-26. Review status: criteria provided, single submitter. Criteria: LabCorp Variant Classification Summary - May 2015. Collection method: clinical testing. Allele origin: germline.
Comment: Variant summary: USH2A c.7524delT (p.Arg2509GlyfsX19) results in a premature termination codon, predicted to cause a truncation of the encoded protein or absence of the protein due to nonsense mediated decay, which are commonly known mechanisms for disease. The variant allele was found at a frequency of 4e-06 in 250734 control chromosomes. c.7524delT has been reported in the literature in individuals affected with Usher Syndrome (e.g. Bonnet_2019). To our knowledge, no experimental evidence demonstrating an impact on protein function has been reported. The following publication have been ascertained in the context of this evaluation (PMID: 21569298). Nine submitters have cited clinical-significance assessments for this variant to ClinVar after 2014. All submitters classified the variant as pathogenic. Based on the evidence outlined above, the variant was classified as pathogenic.

Ocular Genomics Institute, Massachusetts Eye and Ear
Classification: Pathogenic for Retinitis pigmentosa 39. Last evaluated: 2021-04-08. Review status: criteria provided, single submitter. Criteria: ACMG Guidelines, 2015. Collection method: research. Allele origin: germline. Affected: yes.
Comment: Through a review of available evidence we were able to apply the following criteria: PM2, PVS1, PM3. Based on this evidence we have classified this variant as Pathogenic.

Institute of Medical Genetics and Applied Genomics, University Hospital Tübingen
Classification: Pathogenic. Last evaluated: 2020-10-23. Review status: criteria provided, single submitter. Criteria: ACMG Guidelines, 2015. Collection method: clinical testing. Allele origin: germline. Inheritance: Autosomal recessive inheritance. Affected: yes.

Centre for Mendelian Genomics, University Medical Centre Ljubljana
Classification: Pathogenic for Usher syndrome type 2A. Last evaluated: 2019-03-23. Review status: criteria provided, single submitter. Criteria: ACMG Guidelines, 2015. Collection method: clinical testing. Allele origin: unknown. Affected: yes.
Comment: This variant was classified as: Pathogenic. The following ACMG criteria were applied in classifying this variant: PVS1,PM1,PM2,PP5.

Laboratory for Molecular Medicine, Mass General Brigham Personalized Medicine
Classification: Pathogenic for Rare genetic deafness. Last evaluated: 2017-08-03. Review status: criteria provided, single submitter. Criteria: LMM Criteria. Collection method: clinical testing. Allele origin: germline. Inheritance: Autosomal recessive inheritance. Observed: 2 variant alleles.
Comment: The p.Arg2509fs variant in USH2A has been reported in the compound heterozygous state in at least two individuals with Usher syndrome (Bonnet 2011, Krawitz 2014 , Bonnet 2016). It has been identified in 1/111126 European chromosomes by the G enome Aggregation Database (gnomAD; dbSNP rs7 51176116). Although this variant has been seen in the general population, its fr equency is low enough to be consistent with a recessive carrier frequency for Us her syndrome. This variant is predicted to cause a frameshift, which alters the protein?s amino acid sequence beginning at position 2509 and leads to a prematur e termination codon 19 amino acids downstream. This alteration is then predicted to lead to a truncated or absent protein. Loss of function is an established di sease mechanism for autosomal recessive Usher syndrome. In summary, the p.Arg25 09fs variant meets criteria to be classified as pathogenic for autosomal recessi ve Usher syndrome based on the predicted impact of the variant and compound hete rozygosity with other pathogenic USH2A variants in individuals with Usher syndro me.

Counsyl
Classification: Pathogenic for Usher syndrome type 2A; Retinitis pigmentosa 39. Last evaluated: 2017-01-25. Review status: no assertion criteria provided. Collection method: clinical testing. Allele origin: unknown. Not counted in ClinVar's aggregate classification.

Literature cited by the submitters: PubMed 10729113 (cited by Labcorp Genetics (formerly Invitae), Labcorp); PubMed 10909849 (cited by Labcorp Genetics (formerly Invitae), Labcorp); PubMed 20507924 (cited by Labcorp Genetics (formerly Invitae), Labcorp); PubMed 25649381 (cited by Labcorp Genetics (formerly Invitae), Labcorp); PubMed 21569298 (cited by 5 submitters); PubMed 25333064 (cited by 4 submitters); PubMed 27460420 (cited by 4 submitters); PubMed 27957503 (cited by Labcorp Genetics (formerly Invitae), Labcorp and Ocular Genomics Institute, Massachusetts Eye and Ear).